The following is an entry in ClinVar:

ClinVar aggregate classification (germline): Uncertain significance (1 of 4 stars; one submission).

Submission:

Ambry Genetics
Classification: Uncertain significance. Last evaluated: 2026-03-11. Review status: criteria provided, single submitter. Criteria: Ambry Variant Classification Scheme 2023. Collection method: clinical testing. Allele origin: germline.
Comment: The c.2T>C (p.M1?) alteration is located in coding exon 1 of the EEF2 gene and consists of a T to C substitution at nucleotide position 1. This changes the amino acid from a methionine to a (?) at the initiation codon. Sequence variations that modify the initiation codon (ATG) are expected to cause a shift in the mRNA reading frame and are typically deleterious in nature (Richards, 2015). However, loss-of-function of EEF2 has not been established as a mechanism of disease. This variant was not reported in population-based cohorts in the Genome Aggregation Database (gnomAD). Based on insufficient or conflicting evidence, the clinical significance of this alteration remains unclear.

NM_001961.4(EEF2):c.2T>C (p.Met1Thr)

Gene: EEF2 (eukaryotic translation elongation factor 2; minus strand). Cytogenetic location: 19p13.3.
Variant type: single nucleotide variant.
Coding change: c.2T>C on transcript NM_001961.4 (MANE Select); coding-DNA position 2, T replaced by C.
Protein change: p.Met1Thr; changes the start codon (methionine 1).
Molecular consequence: missense variant, initiator codon variant.
Genome position (GRCh38, 1-based): chr19:3,985,379, A>G on the plus strand (T>C on the coding strand, the complement: EEF2 is on the minus strand). VCF-style: chr19-3985379-A-G. GRCh37 (hg19) VCF-style: chr19-3985377-A-G.
Other names: short protein forms M1T.
Identifiers: ClinVar variation 4830976 (VCV004830976.1).